The following continues an entry in ClinVar:

NM_007294.4(BRCA1):c.154C>T (p.Leu52Phe)

Gene: BRCA1. ClinVar aggregate classification (germline): Benign. Benign (1).

Submissions 11 to 23 of 23:

Women's Health and Genetics/Laboratory Corporation of America, LabCorp
Classification: Benign. Last evaluated: 2021-02-21. Review status: criteria provided, single submitter. Criteria: LabCorp Variant Classification Summary - May 2015. Collection method: clinical testing. Allele origin: germline. Not counted in ClinVar's aggregate classification.
Comment: Variant summary: BRCA1 c.154C>T (p.Leu52Phe) results in a non-conservative amino acid change located in the Zinc finger, RING-type domain of the encoded protein sequence. Five of five in-silico tools predict a damaging effect of the variant on protein function. The variant allele was found at a frequency of 0.00065 in 299432 control chromosomes, predominantly at a frequency of 0.0014 within the East Asian subpopulation in the gnomAD database. The observed variant frequency within East Asian control individuals in the gnomAD database is approximately 1.4 fold of the estimated maximal expected allele frequency for a pathogenic variant in BRCA1 causing Hereditary Breast And Ovarian Cancer Syndrome phenotype (0.001), strongly suggesting that the variant is a benign polymorphism found primarily in populations of East Asian origin. c.154C>T has been reported in the literature predominantly from East Asian cohorts of individuals affected with Breast and/or Ovarian Cancer (example, Sugano_2008, Han_2006, Jang_2012, Kim_2006, Judkins_2005, Eoh_2017, Yoon_2016, Park_2017, Momozawa_2018). These report(s) do not provide unequivocal conclusions about association of the variant with Hereditary Breast And Ovarian Cancer Syndrome. At-least one co-occurrence with another pathogenic variant has been observed at our laboratory (BRCA2 c.5645C>A , p.Ser1882X), providing supporting evidence for a benign role. Several publications report experimental evidence evaluating an impact on protein function. These results showed no damaging effect of this variant on protein expression, HDR activity, or BARD1 binding (example, Yoon_2017, Starita_2015, Ransburgh_2010, Findlay_2018). Eight clinical diagnostic laboratories have submitted clinical-significance assessments for this variant to ClinVar after 2014 without evidence for independent evaluation. Multiple laboratories reported the variant with conflicting assessments (likely benign, n=2; VUS, n=6). Some submitters cite overlapping evidence utilized in the context of this evaluation. Based on the lack of any evidence supporting an actionable outcome spanning at-least 12 years of cross sectional review, supported by multiple reports of a neutral functional impact and at-least one co-occurrence as outlined above, the variant was classified as benign.

Sema4
Classification: Likely benign for Hereditary cancer-predisposing syndrome. Last evaluated: 2020-12-02. Review status: criteria provided, single submitter. Criteria: Sema4 Curation Guidelines. Collection method: curation. Allele origin: germline. Not counted in ClinVar's aggregate classification.

Color Diagnostics, LLC DBA Color Health
Classification: Likely benign for Hereditary cancer-predisposing syndrome. Last evaluated: 2020-11-20. Review status: criteria provided, single submitter. Criteria: ACMG Guidelines, 2015. Collection method: clinical testing. Allele origin: germline. Not counted in ClinVar's aggregate classification.

Breast Center, Key Laboratory of Carcinogenesis and Translational Research
Classification: Uncertain significance for Hereditary breast and ovarian cancer syndrome. Last evaluated: 2020-05-01. Review status: criteria provided, single submitter. Criteria: ACMG Guidelines, 2015. Collection method: clinical testing. Allele origin: germline. Observed: 6 variant alleles. Not counted in ClinVar's aggregate classification.

Illumina Laboratory Services, Illumina
Classification: Uncertain significance for Breast-ovarian cancer, familial, susceptibility to, 1. Last evaluated: 2017-04-27. Review status: criteria provided, single submitter. Criteria: ICSL Variant Classification Criteria 13 December 2019. Collection method: clinical testing. Allele origin: germline. Not counted in ClinVar's aggregate classification.
Comment: This variant was observed as part of a predisposition screen in an ostensibly healthy population. A literature search was performed for the gene, cDNA change, and amino acid change (where applicable). Publications were found based on this search. However, the evidence from the literature, in combination with allele frequency data from public databases where available, was not sufficient to rule this variant in or out of causing disease. Therefore, this variant is classified as a variant of unknown significance.

Cancer Genetics and Genomics Laboratory, British Columbia Cancer Agency
Classification: Likely benign. Last evaluated: 2017-04-18. Review status: criteria provided, single submitter. Criteria: ACMG Guidelines, 2015. Collection method: clinical testing. Allele origin: germline. Study: The Canadian Open Genetics Repository (COGR). Not counted in ClinVar's aggregate classification.

BRCAlab, Lund University
Classification: Uncertain significance for Breast-ovarian cancer, familial, susceptibility to, 1. Last evaluated: 2020-03-02. Review status: no assertion criteria provided. Collection method: clinical testing. Allele origin: germline. Affected: yes. Not counted in ClinVar's aggregate classification.

Counsyl
Classification: Uncertain significance for Breast-ovarian cancer, familial, susceptibility to, 1. Last evaluated: 2015-12-22. Review status: no assertion criteria provided. Collection method: clinical testing. Allele origin: unknown. Not counted in ClinVar's aggregate classification.

Sharing Clinical Reports Project (SCRP)
Classification: Uncertain significance for Breast-ovarian cancer, familial 1. Last evaluated: 2012-12-11. Review status: no assertion criteria provided. Collection method: clinical testing. Allele origin: germline. Not counted in ClinVar's aggregate classification.

Breast Cancer Information Core (BIC) (BRCA1)
Classification: Uncertain significance for Breast-ovarian cancer, familial 1. Last evaluated: 2004-02-20. Review status: no assertion criteria provided. Collection method: clinical testing. Allele origin: germline. Affected: yes. Observed: 5 variant alleles. Not counted in ClinVar's aggregate classification.

Brotman Baty Institute, University of Washington
No classification provided (evidence only). Condition: Breast-ovarian cancer, familial 1. Review status: no classification provided. Collection method: in vitro. Allele origin: not applicable. Functional consequence: functionally_normal. Not counted in ClinVar's aggregate classification.
ClinVar note: "not provided" was previously submitted as the classification for the variant. However, the classification appeared to be based only on an observation of functional data so it was converted to no classification on 2025-07-30.

Department of Pathology and Laboratory Medicine, Sinai Health System
Classification: Uncertain significance for Breast-ovarian cancer, familial, susceptibility to, 1. Review status: no assertion criteria provided. Collection method: clinical testing. Allele origin: unknown. Affected: yes. Study: The Canadian Open Genetics Repository (COGR). Not counted in ClinVar's aggregate classification.
Comment: The p.Leu52Phe variant has been identified in 11 out of 3896 proband chromosomes (frequency 0.003) from individuals with breast and ovarian cancers, and was not identified in 668 control chromosomes (Kim 2006, Han 2006, Sugano 2008 ), increasing the likelihood this variant may have clinical significance. It is listed in the dbSNP database as coming from a "clinical source" (ID#: rs80357084) with no frequency information available, and so the frequency of this variant in the general population is not known. The p.Leu52 is conserved in mammals and other species and in-silico or computational analyses (PolyPhen2, SIFT, AlignGVGD) suggest that this variant may impact protein function, however this is not predictive enough to assume pathogenicity. Several in vitro studies suggested modest to no effect regarding the role of this variant in centrosome duplication, binding to BARD1, and ubiquitination activity (Brzovic 2003, Morris 2006, Ransburgh 2010, Sarkar 2008, Katoh 2005, Kais 2012, Atipairin 2011). In summary, based on current information presented above, we cannot rule out the possibility that this variant may have clinical significance, but this variant is classified as VUS.

Laboratory of Molecular Epidemiology of Birth Defects, West China Second University Hospital, Sichuan University
Classification: Likely pathogenic for Ovarian cancer. Last evaluated: 2022-01-01. Review status: flagged submission. Criteria: ACMG Guidelines, 2015. Collection method: clinical testing. Allele origin: germline. Affected: yes. Not counted in ClinVar's aggregate classification.
ClinVar note: Reason: Outlier claim with insufficient supporting evidence

Literature cited by the submitters: PubMed 29752822 (cited by Quest Diagnostics Nichols Institute San Juan Capistrano and Ambry Genetics); PubMed 30415210 (cited by Quest Diagnostics Nichols Institute San Juan Capistrano and Ambry Genetics); PubMed 30287823 (cited by 3 submitters); PubMed 30209399 (cited by 4 submitters); PubMed 29176636 (cited by Quest Diagnostics Nichols Institute San Juan Capistrano and Ambry Genetics); PubMed 29020732 (cited by 3 submitters); PubMed 28364669 (cited by Quest Diagnostics Nichols Institute San Juan Capistrano); PubMed 29215753 (cited by Quest Diagnostics Nichols Institute San Juan Capistrano); PubMed 29731985 (cited by Quest Diagnostics Nichols Institute San Juan Capistrano); PubMed 28440963 (cited by Quest Diagnostics Nichols Institute San Juan Capistrano); PubMed 28111427 (cited by 3 submitters); PubMed 36833189 (cited by Quest Diagnostics Nichols Institute San Juan Capistrano); PubMed 38324470 (cited by Quest Diagnostics Nichols Institute San Juan Capistrano); PubMed 37731132 (cited by Quest Diagnostics Nichols Institute San Juan Capistrano); PubMed 32803532 (cited by Quest Diagnostics Nichols Institute San Juan Capistrano); PubMed 36243179 (cited by Quest Diagnostics Nichols Institute San Juan Capistrano); PubMed 33471991 (cited by Quest Diagnostics Nichols Institute San Juan Capistrano); PubMed 32467295 (cited by Quest Diagnostics Nichols Institute San Juan Capistrano); PubMed 17100994 (cited by 5 submitters); PubMed 21725363 (cited by 5 submitters); PubMed 20103620 (cited by 3 submitters); PubMed 18493658 (cited by 3 submitters); PubMed 25823446 (cited by 3 submitters); PubMed 23161852 (cited by 5 submitters); PubMed 24489791 (cited by Quest Diagnostics Nichols Institute San Juan Capistrano); PubMed 16949048 (cited by 4 submitters); PubMed 19016756 (cited by 4 submitters); PubMed 24249303 (cited by 4 submitters); PubMed 22217648 (cited by 4 submitters); PubMed 16403807 (cited by 4 submitters); PubMed 25802882 (cited by 4 submitters); PubMed 12732733 (cited by 5 submitters); PubMed 22753008 (cited by Quest Diagnostics Nichols Institute San Juan Capistrano); PubMed 16267036 (cited by Women's Health and Genetics/Laboratory Corporation of America, LabCorp); PubMed 27658390 (cited by Women's Health and Genetics/Laboratory Corporation of America, LabCorp); PubMed 28970858 (cited by Women's Health and Genetics/Laboratory Corporation of America, LabCorp); PubMed 25186627 (cited by Counsyl).